The following is an entry in ClinVar:

NM_000256.3(MYBPC3):c.2291_2308+3del

Gene: MYBPC3 (myosin binding protein C3; minus strand). Cytogenetic location: 11p11.2.
Variant type: Deletion.
Coding change: c.2291_2308+3del on transcript NM_000256.3 (MANE Select); coding-DNA position 2291 through 3 bases into the intron after coding-DNA position 2308, 21 bases deleted (TCACAGTCAAGGTCATCGGTG).
Molecular consequence: splice donor variant.
Genome position (GRCh38, 1-based): chr11:47,338,517-47,338,537, CACCGATGACCTTGACTGTGA deleted on the plus strand (TCACAGTCAAGGTCATCGGTG on the coding strand, the reverse complement: MYBPC3 is on the minus strand). VCF-style (leftmost placement, unchanged base first): chr11-47338516-TCACCGATGACCTTGACTGTGA-T. GRCh37 (hg19) VCF-style: chr11-47360067-TCACCGATGACCTTGACTGTGA-T.
Other names: c.2291_2308+3del21 (NM_000256.3).
Identifiers: ClinVar variation 1789115 (VCV001789115.6), dbSNP rs2095884867, ClinGen allele CA1969332149.

ClinVar aggregate classification (germline): Likely pathogenic. Review status: criteria provided, multiple submitters, no conflicts (2 of 4 stars). 2 submissions from 2 submitters: Likely pathogenic (2). Last evaluated 2025-12-03.

Conditions:
Cardiovascular phenotype. Identifiers: MedGen CN230736.
Hypertrophic cardiomyopathy. Also called: HYPERTROPHIC MYOCARDIOPATHY. Identifiers: Orphanet 217569, MedGen C0007194, MeSH D002312, MONDO:0005045, HP:0001639.

Submissions (2):

Labcorp Genetics (formerly Invitae), Labcorp
Classification: Likely pathogenic for Hypertrophic cardiomyopathy. Last evaluated: 2025-12-03. Review status: criteria provided, single submitter. Criteria: Invitae Variant Classification Sherloc (09022015). Collection method: clinical testing. Allele origin: germline.
Comment: This variant results in the deletion of part of exon 23 (c.2291_2308+3del) of the MYBPC3 gene. It is expected to disrupt RNA splicing. Variants that disrupt the donor or acceptor splice site typically lead to a loss of protein function (PMID: 16199547), and loss-of-function variants in MYBPC3 are known to be pathogenic (PMID: 19574547). This variant is not present in population databases (gnomAD no frequency). This variant has been observed in individual(s) with hypertrophic cardiomyopathy (internal data). ClinVar contains an entry for this variant (Variation ID: 1789115). In summary, the currently available evidence indicates that the variant is pathogenic, but additional data are needed to prove that conclusively. Therefore, this variant has been classified as Likely Pathogenic.

Ambry Genetics
Classification: Likely pathogenic for Cardiovascular phenotype. Last evaluated: 2024-11-06. Review status: criteria provided, single submitter. Criteria: Ambry Variant Classification Scheme 2023. Collection method: clinical testing. Allele origin: germline.
Comment: The c.2291_2308+3del21 variant results from a deletion of 21 nucleotides between positions c.2291 and c.2308+3 and involves the canonical splice donor site after coding exon 23 of the MYBPC3gene. This variant has been observed in at least one individual with a personal and/or family history that is consistent with hypertrophic cardiomyopathy (Ambry internal data). This variant is considered to be rare based on population cohorts in the Genome Aggregation Database (gnomAD). The canonical splice donor site is highly conserved in available vertebrate species. In silico splice site analysis predicts that this alteration will weaken the native splice donor site; however, the exact impact of this deletion on MYBPC3 splicing and function is currently unknown. Alterations that disrupt the canonical splice site are expected to cause aberrant splicing, resulting in an abnormal protein or a transcript that is subject to nonsense-mediated mRNA decay. As such, this alteration is classified as likely pathogenic.

Literature cited by the submitters: PubMed 16199547 (cited by Labcorp Genetics (formerly Invitae), Labcorp); PubMed 19574547 (cited by Labcorp Genetics (formerly Invitae), Labcorp).